The following is an entry in ClinVar:

ClinVar aggregate classification (germline): Conflicting classifications of pathogenicity. Review status: criteria provided, conflicting classifications (1 of 4 stars). 4 submissions from 4 submitters: Likely pathogenic (2); Uncertain significance (2). Last evaluated 2024-11-19.

Conditions:
Spondyloepiphyseal dysplasia, sensorineural hearing loss, impaired intellectual development, and leber congenital amaurosis. Also called: SHILCA SYNDROME. Identifiers: Orphanet 611207, MedGen C5543257, MONDO:0031007, OMIM 619260.
Leber congenital amaurosis 9 (LCA9). Also called: LCA 9; Amaurosis congenita of Leber, type 9; LCA9 Leber Congenital Amaurosis. Identifiers: Orphanet 65, MedGen C1837873, MONDO:0012056, OMIM 608553.

Allele frequency attached by ClinVar (database versions not stated): gnomAD exomes 0.00001 and 0.00004; TOPMed 0.00001; gnomAD 0.00006.
gnomAD v4.1: 15 of 1,613,992 alleles (0.00093%); highest among the groups gnomAD compares: East Asian, 0.029%; no homozygotes.

Submissions (4):

Blueprint Genetics
Classification: Uncertain significance. Last evaluated: 2024-11-19. Review status: criteria provided, single submitter. Criteria: ACMG Guidelines, 2015. Collection method: clinical testing. Allele origin: germline.

3billion
Classification: Likely pathogenic for Leber congenital amaurosis 9. Last evaluated: 2024-10-23. Review status: criteria provided, single submitter. Criteria: ACMG Guidelines, 2015. Collection method: clinical testing. Allele origin: germline. Affected: yes.
Comment: The variant is observed at an extremely low frequency in the gnomAD v4.1.0 dataset (total allele frequency: <0.001%). Predicted Consequence/Location: Missense variant In silico tool predictions suggest damaging effect of the variant on gene or gene product [REVEL: 0.65 (>=0.6, sensitivity 0.68 and specificity 0.92)]. The same nucleotide change resulting in the same amino acid change has been previously reported to be associated with NMNAT1 related disorder (PMID: 29641573 /3billion dataset).Different missense changes at the same codon (p.Arg237Cys, p.Arg237Leu) have been reported as pathogenic/likely pathogenic with strong evidence (ClinVar ID: VCV000037138, VCV000845745 /PMID: 22842229, 22842230 /3billion dataset). Therefore, this variant is classified as Likely pathogenic according to the recommendation of ACMG/AMP guideline.

CeGaT Center for Human Genetics Tuebingen
Classification: Uncertain significance. Last evaluated: 2016-07-01. Review status: criteria provided, single submitter. Criteria: CeGaT Center For Human Genetics Tuebingen Variant Classification Criteria Version 2. Collection method: clinical testing. Allele origin: germline. Affected: yes. Observed: 1 variant allele.

Juno Genomics, Hangzhou Juno Genomics, Inc
Classification: Likely pathogenic for Leber congenital amaurosis 9; Spondyloepiphyseal dysplasia, sensorineural hearing loss, impaired intellectual development, and leber congenital amaurosis. Review status: criteria provided, single submitter. Criteria: ACMG Guidelines, 2015. Collection method: clinical testing. Allele origin: germline.
Comment: Absent from controls (or at extremely low frequency if recessive) in Genome Aggregation Database.;Multiple lines of computational evidence support a deleterious effect on the gene or gene product.;For recessive disorders, detected in trans with a pathogenic variant.;Patient's phenotype or family history is highly specific for a disease with a single genetic etiology.;Novel missense change at an amino acid residue where a different missense change determined to be pathogenic has been seen before.

Literature cited by the submitters: PubMed 29641573 (cited by 3billion); PubMed 22842229 (cited by 3billion).

NM_022787.4(NMNAT1):c.710G>A (p.Arg237His)

Gene: NMNAT1 (nicotinamide nucleotide adenylyltransferase 1; plus strand). Cytogenetic location: 1p36.22.
Variant type: single nucleotide variant.
Coding change: c.710G>A on transcript NM_022787.4 (MANE Select); coding-DNA position 710, G replaced by A.
Protein change: p.Arg237His; replaces arginine 237 with histidine.
Molecular consequence: missense variant.
Genome position (GRCh38, 1-based): chr1:9,982,571, G>A. VCF-style: chr1-9982571-G-A. GRCh37 (hg19) VCF-style: chr1-10042629-G-A.
Other names: c.710G>A, p.Arg237His (NM_001297778.1); short protein forms R237H.
Identifiers: ClinVar variation 374691 (VCV000374691.46), dbSNP rs368062092, ClinGen allele CA579316.